The following is an entry in ClinVar:

ClinVar aggregate classification (germline): Uncertain significance (1 of 4 stars; one submission).

Conditions:
Combined oxidative phosphorylation defect type 14. Also called: Combined oxidative phosphorylation deficiency 14. Identifiers: Orphanet 319519, MedGen C4755312, MONDO:0013986, OMIM 614946.

Submission:

Labcorp Genetics (formerly Invitae), Labcorp
Classification: Uncertain significance for Combined oxidative phosphorylation defect type 14. Last evaluated: 2021-12-02. Review status: criteria provided, single submitter. Criteria: Invitae Variant Classification Sherloc (09022015). Collection method: clinical testing. Allele origin: germline.
Comment: In summary, the available evidence is currently insufficient to determine the role of this variant in disease. Therefore, it has been classified as a Variant of Uncertain Significance. Experimental studies and prediction algorithms are not available or were not evaluated, and the functional significance of this variant is currently unknown. This variant has not been reported in the literature in individuals affected with FARS2-related conditions. This variant results in a copy number gain of the genomic region encompassing exon(s) 1-3 of the FARS2 gene. This region includes the initiator codon of the gene. This copy number gain extends beyond the assayed region for this gene and therefore may encompass additional genes. As the precise location of this event is unknown, it may be in tandem or it may be located elsewhere in the genome.

NC_000006.11:g.(?_5109657)_(5404954_?)dup

Genes: FARS2 (phenylalanyl-tRNA synthetase 2, mitochondrial; plus strand), LYRM4 (LYR motif containing 4; minus strand). Cytogenetic location: 6p25.1.
Variant type: Duplication.
Identifiers: ClinVar variation 1440586 (VCV001440586.5).